The following is an entry in ClinVar:

ClinVar aggregate classification (germline): Uncertain significance (0 of 4 stars; one submission).

Conditions:
EYA1-related disorder. Also called: EYA1-related condition.

Allele frequency attached by ClinVar (database versions not stated): gnomAD exomes below 0.00001.
gnomAD v4.1: 1 of 1,614,188 alleles (0.000062%); highest among the groups gnomAD compares: Non-Finnish European, 0.000085%; no homozygotes.

Submission:

PreventionGenetics, part of Exact Sciences
Classification: Uncertain significance for EYA1-related condition. Last evaluated: 2024-06-20. Review status: no assertion criteria provided. Collection method: clinical testing. Allele origin: germline.
Comment: The EYA1 c.838A>C variant is predicted to result in the amino acid substitution p.Ile280Leu. To our knowledge, this variant has not been reported in the literature or in a large population database, indicating this variant is rare. At this time, the clinical significance of this variant is uncertain due to the absence of conclusive functional and genetic evidence.

NM_000503.6(EYA1):c.838A>C (p.Ile280Leu)

Gene: EYA1 (EYA transcriptional coactivator and phosphatase 1; minus strand). Cytogenetic location: 8q13.3.
Variant type: single nucleotide variant.
Coding change: c.838A>C on transcript NM_000503.6 (MANE Select); coding-DNA position 838, A replaced by C.
Protein change: p.Ile280Leu; replaces isoleucine 280 with leucine.
Molecular consequence: missense variant.
Genome position (GRCh38, 1-based): chr8:71,271,886, T>G on the plus strand (A>C on the coding strand, the complement: EYA1 is on the minus strand). VCF-style: chr8-71271886-T-G. GRCh37 (hg19) VCF-style: chr8-72184121-T-G.
Other names: c.820A>C, p.Ile274Leu (NM_001288574.2); c.472A>C, p.Ile158Leu (NM_001288575.2); c.925A>C, p.Ile309Leu (NM_001370333.1); c.838A>C, p.Ile280Leu (NM_001370334.1, NM_001370335.1, NM_172058.4); c.907A>C, p.Ile303Leu (NM_001370336.1); c.739A>C, p.Ile247Leu (NM_001411797.1, NM_172060.4); c.910A>C, p.Ile304Leu (NM_172059.5); short protein forms I158L, I247L, I274L, I280L, I303L, I304L, I309L.
Identifiers: ClinVar variation 2632157 (VCV002632157.2), dbSNP rs2538057428, ClinGen allele CA371469158.